The following is an entry in ClinVar:

ClinVar aggregate classification (germline): Uncertain significance (1 of 4 stars; one submission).

Submission:

Labcorp Genetics (formerly Invitae), Labcorp
Classification: Uncertain significance. Last evaluated: 2023-09-20. Review status: criteria provided, single submitter. Criteria: Invitae Variant Classification Sherloc (09022015). Collection method: clinical testing. Allele origin: germline.
Comment: In summary, the available evidence is currently insufficient to determine the role of this variant in disease. Therefore, it has been classified as a Variant of Uncertain Significance. Advanced modeling of protein sequence and biophysical properties (such as structural, functional, and spatial information, amino acid conservation, physicochemical variation, residue mobility, and thermodynamic stability) performed at Invitae indicates that this missense variant is not expected to disrupt MAGEL2 protein function. This variant has not been reported in the literature in individuals affected with MAGEL2-related conditions. This variant is present in population databases (rs769378200, gnomAD 0.003%). This sequence change replaces proline, which is neutral and non-polar, with arginine, which is basic and polar, at codon 940 of the MAGEL2 protein (p.Pro940Arg).

NM_019066.5(MAGEL2):c.2819C>G (p.Pro940Arg)

Gene: MAGEL2 (MAGE family member L2; minus strand). Cytogenetic location: 15q11.2.
Variant type: single nucleotide variant.
Coding change: c.2819C>G on transcript NM_019066.5 (MANE Select); coding-DNA position 2819, C replaced by G.
Protein change: p.Pro940Arg; replaces proline 940 with arginine.
Molecular consequence: missense variant.
Genome position (GRCh38, 1-based): chr15:23,644,924, G>C on the plus strand (C>G on the coding strand, the complement: MAGEL2 is on the minus strand). VCF-style: chr15-23644924-G-C. GRCh37 (hg19) VCF-style: chr15-23890071-G-C.
Other names: short protein forms P940R.
Identifiers: ClinVar variation 2916736 (VCV002916736.3), dbSNP rs769378200, ClinGen allele CA7429813.